The following is an entry in ClinVar:

NM_006231.4(POLE):c.4953G>A (p.Arg1651=)

Gene: POLE (DNA polymerase epsilon, catalytic subunit; minus strand). Cytogenetic location: 12q24.33.
Variant type: single nucleotide variant.
Coding change: c.4953G>A on transcript NM_006231.4 (MANE Select); coding-DNA position 4953, G replaced by A.
Protein change: p.Arg1651=; no amino-acid change (arginine 1651 retained).
Molecular consequence: synonymous variant.
Genome position (GRCh38, 1-based): chr12:132,642,397, C>T on the plus strand (G>A on the coding strand, the complement: POLE is on the minus strand). VCF-style: chr12-132642397-C-T. GRCh37 (hg19) VCF-style: chr12-133218983-C-T.
Identifiers: ClinVar variation 941194 (VCV000941194.13), dbSNP rs1296542471, ClinGen allele CA482848870.
Genomic context (GRCh38, chr12:132,642,397, plus strand): 5'-GAGGTCGGAGCCGAATGTGGAGATGTCCTCTGGTAGGTTCCCAATGGGAATGTGAAAGTA[C>T]CTGCACCAGGGCACAGGTCAGCACCGGGGCACATCGCCGGGTCACAGAGACCACCGAGGC-3'
Protein context (NP_006222.2, residues 1641-1661): TCLSQAFEMS[Arg1651=]YFHIPIGNLP

ClinVar aggregate classification (germline): Uncertain significance. Review status: criteria provided, multiple submitters, no conflicts (2 of 4 stars). 2 submissions from 2 submitters: Uncertain significance (2). Last evaluated 2025-09-02.

Conditions:
Hereditary cancer-predisposing syndrome. Also called: Hereditary neoplastic syndrome; Neoplastic Syndromes, Hereditary; Tumor predisposition; Hereditary Cancer Syndrome. Identifiers: Orphanet 140162, MedGen C0027672, MeSH D009386, MONDO:0015356.

Allele frequency attached by ClinVar (database versions not stated): gnomAD exomes 0.00001 and 0.00002.
gnomAD v4.1: 14 of 1,580,164 alleles (0.00089%); highest among the groups gnomAD compares: Non-Finnish European, 0.001%; 1 homozygote.

Submissions (2):

Labcorp Genetics (formerly Invitae), Labcorp
Classification: Uncertain significance. Last evaluated: 2025-09-02. Review status: criteria provided, single submitter. Criteria: Invitae Variant Classification Sherloc (09022015). Collection method: clinical testing. Allele origin: germline.
Comment: This sequence change affects codon 1651 of the POLE mRNA. It is a 'silent' change, meaning that it does not change the encoded amino acid sequence of the POLE protein. It affects a nucleotide within the consensus splice site. This variant is present in population databases (no rsID available, gnomAD 0.003%). This variant has not been reported in the literature in individuals affected with POLE-related conditions. ClinVar contains an entry for this variant (Variation ID: 941194). Studies have shown that this variant is associated with inconclusive levels of altered splicing (internal data). In summary, the available evidence is currently insufficient to determine the role of this variant in disease. Therefore, it has been classified as a Variant of Uncertain Significance.

Ambry Genetics
Classification: Uncertain significance for Hereditary cancer-predisposing syndrome. Last evaluated: 2025-01-14. Review status: criteria provided, single submitter. Criteria: Ambry Variant Classification Scheme 2023. Collection method: clinical testing. Allele origin: germline.
Comment: The c.4953G>A variant (also known as p.R1651R), located in coding exon 38 of the POLE gene, results from a G to A substitution at nucleotide position 4953. This nucleotide substitution does not change the arginine at codon 1651. However, this change occurs in the first base pair of coding exon 38, which makes it likely to have some effect on normal mRNA splicing. This nucleotide position is well conserved in available vertebrate species. In silico splice site analysis for this alteration is inconclusive. Based on the available evidence, the clinical significance of this variant remains unclear.